The following is an entry in ClinVar:

ClinVar aggregate classification (germline): Conflicting classifications of pathogenicity. Review status: criteria provided, conflicting classifications (1 of 4 stars). 3 submissions from 3 submitters: Pathogenic (1); Likely pathogenic (1); Uncertain significance (1). Last evaluated 2025-11-17.

Conditions:
Glycogen storage disease, type II (IOPD). Also called: Glycogen storage disease type 2; Acid maltase deficiency disease; Aglucosidase alfa; Deficiency of alpha-glucosidase; Deficiency of lysosomal alpha-glucosidase; GLYCOGEN STORAGE DISEASE II, INFANTILE-ONSET. Identifiers: Orphanet 365, MedGen C0017921, MONDO:0009290, OMIM 232300.

gnomAD v4.1: 3 of 1,613,746 alleles (0.00019%); highest among the groups gnomAD compares: African/African-American, 0.0027%; no homozygotes.

Submissions (3):

Women's Health and Genetics/Laboratory Corporation of America, LabCorp
Classification: Likely pathogenic for Glycogen storage disease, type II. Last evaluated: 2025-11-17. Review status: criteria provided, single submitter. Criteria: LabCorp Variant Classification Summary - May 2015. Collection method: clinical testing. Allele origin: germline.
Comment: Variant summary: GAA c.1441T>A (p.Trp481Arg) results in a non-conservative amino acid change in the encoded protein sequence. Algorithms developed to predict the effect of missense changes on protein structure and function all suggest that this variant is likely to be disruptive. The variant was absent in 250876 control chromosomes. To our knowledge, no occurrence of c.1441T>A in individuals affected with GAA-related conditions and no experimental evidence demonstrating its impact on protein function have been reported. A different variant resulting in the same amino acid consequence has been classified as likely pathogenic/pathogenic by our lab (c.1441T>C), supporting the pathogenicity of this variant. The following publications have been ascertained in the context of this evaluation (PMID: 26497565, 28957316, 30281819, 33717985, 29061980, 15501829). ClinVar contains an entry for this variant (Variation ID: 2441622). Based on the evidence outlined above, the variant was classified as likely pathogenic.

Labcorp Genetics (formerly Invitae), Labcorp
Classification: Pathogenic for Glycogen storage disease, type II. Last evaluated: 2023-08-19. Review status: criteria provided, single submitter. Criteria: Invitae Variant Classification Sherloc (09022015). Collection method: clinical testing. Allele origin: germline.
Comment: ClinVar contains an entry for this variant (Variation ID: 2441622). This missense change has been observed in individual(s) with Pompe disease (PMID: 10189220, 14695532, 18757064, 22676651; Invitae). In at least one individual the data is consistent with being in trans (on the opposite chromosome) from a pathogenic variant. This variant is present in population databases (no rsID available, gnomAD 0.01%). This sequence change replaces tryptophan, which is neutral and slightly polar, with arginine, which is basic and polar, at codon 481 of the GAA protein (p.Trp481Arg). Advanced modeling of protein sequence and biophysical properties (such as structural, functional, and spatial information, amino acid conservation, physicochemical variation, residue mobility, and thermodynamic stability) performed at Invitae indicates that this missense variant is expected to disrupt GAA protein function. For these reasons, this variant has been classified as Pathogenic. Experimental studies have shown that this missense change affects GAA function (PMID: 14695532, 19862843).

Revvity Omics, Revvity
Classification: Uncertain significance. Last evaluated: 2021-11-11. Review status: criteria provided, single submitter. Criteria: ACMG Guidelines, 2015. Collection method: clinical testing. Allele origin: germline.

Literature cited by the submitters: PubMed 28957316 (cited by Women's Health and Genetics/Laboratory Corporation of America, LabCorp); PubMed 29061980 (cited by Women's Health and Genetics/Laboratory Corporation of America, LabCorp); PubMed 26497565 (cited by Women's Health and Genetics/Laboratory Corporation of America, LabCorp); PubMed 30281819 (cited by Women's Health and Genetics/Laboratory Corporation of America, LabCorp); PubMed 33717985 (cited by Women's Health and Genetics/Laboratory Corporation of America, LabCorp); PubMed 15501829 (cited by Women's Health and Genetics/Laboratory Corporation of America, LabCorp); PubMed 10189220 (cited by Labcorp Genetics (formerly Invitae), Labcorp); PubMed 14695532 (cited by Labcorp Genetics (formerly Invitae), Labcorp); PubMed 18757064 (cited by Labcorp Genetics (formerly Invitae), Labcorp); PubMed 22676651 (cited by Labcorp Genetics (formerly Invitae), Labcorp); PubMed 19862843 (cited by Labcorp Genetics (formerly Invitae), Labcorp).

NM_000152.5(GAA):c.1441T>A (p.Trp481Arg)

Gene: GAA (alpha glucosidase; plus strand). Cytogenetic location: 17q25.3.
Variant type: single nucleotide variant.
Coding change: c.1441T>A on transcript NM_000152.5 (MANE Select); coding-DNA position 1441, T replaced by A.
Protein change: p.Trp481Arg; replaces tryptophan 481 with arginine.
Molecular consequence: missense variant.
Genome position (GRCh38, 1-based): chr17:80,110,730, T>A. VCF-style: chr17-80110730-T-A. GRCh37 (hg19) VCF-style: chr17-78084529-T-A.
Other names: c.1441T>A, p.Trp481Arg (NM_001079803.3, NM_001079804.3, NM_001406741.1 and 1 more transcripts); short protein forms W481R.
Identifiers: ClinVar variation 2441622 (VCV002441622.7), dbSNP rs772883420, ClinGen allele CA401366772.